The following is an entry in ClinVar:

ClinVar aggregate classification (germline): Uncertain significance (1 of 4 stars; one submission).

Conditions:
Complex cortical dysplasia with other brain malformations 4. Identifiers: MedGen C3809420, MONDO:0014171, OMIM 615412.

Submission:

Institute of Human Genetics, University of Leipzig Medical Center
Classification: Uncertain significance for Complex cortical dysplasia with other brain malformations 4. Last evaluated: 2026-07-20. Review status: criteria provided, single submitter. Criteria: ACMG Guidelines, 2015. Collection method: clinical testing. Allele origin: unknown. Inheritance: Autosomal dominant inheritance. Affected: yes.
Comment: Criteria applied: PM2,PP2,BP4

NM_001070.5(TUBG1):c.181A>G (p.Ile61Val)

Gene: TUBG1 (tubulin gamma 1; plus strand). Cytogenetic location: 17q21.2.
Variant type: single nucleotide variant.
Coding change: c.181A>G on transcript NM_001070.5 (MANE Select); coding-DNA position 181, A replaced by G.
Protein change: p.Ile61Val; replaces isoleucine 61 with valine.
Molecular consequence: missense variant.
Genome position (GRCh38, 1-based): chr17:42,610,441, A>G. VCF-style: chr17-42610441-A-G. GRCh37 (hg19) VCF-style: chr17-40762459-A-G.
Other names: short protein forms I61V.
Identifiers: ClinVar variation 4890692 (VCV004890692.1).